The following is an entry in ClinVar:

ClinVar aggregate classification (germline): Uncertain significance (1 of 4 stars; one submission).

Submission:

GeneDx
Classification: Uncertain significance. Last evaluated: 2025-09-08. Review status: criteria provided, single submitter. Criteria: GeneDx Variant Classification Process June 2021. Collection method: clinical testing. Allele origin: germline.
Comment: Frameshift variant predicted to result in abnormal protein length as the last 40 amino acids are replaced with 22 different amino acids; Not observed at significant frequency in large population cohorts (gnomAD); Has not been previously published as pathogenic or benign to our knowledge

NM_001148.6(ANK2):c.11751del (p.Ile3918fs)

Gene: ANK2 (ankyrin 2; plus strand). Cytogenetic location: 4q26.
Variant type: Deletion.
Coding change: c.11751del on transcript NM_001148.6 (MANE Select); coding-DNA position 11751, one base deleted (G; older notation c.11751delG).
Protein change: p.Ile3918fs; shifts the reading frame from isoleucine 3918.
Molecular consequence: frameshift variant. On other transcripts: intron variant (9).
Genome position (GRCh38, 1-based): chr4:113,373,341, G deleted. VCF-style (leftmost placement, unchanged base first): chr4-113373340-AG-A. GRCh37 (hg19) VCF-style: chr4-114294496-AG-A.
Other names: c.5469del, p.Ile1824fs (NM_001127493.3); c.11751delG, p.Ile3918Leufs (NM_001148.4); c.5508del, p.Ile1837fs (NM_001354225.2); c.5490del, p.Ile1831fs (NM_001354228.2); c.5475del, p.Ile1826fs (NM_001354230.2); c.5631del, p.Ile1878fs (NM_001354231.2); c.5625del, p.Ile1876fs (NM_001354232.2); c.5586del, p.Ile1863fs (NM_001354235.2); and 51 more; short protein forms I1009fs, I1016fs, I1021fs, I1672fs, I1705fs, I1733fs, I1738fs, I1746fs.
Identifiers: ClinVar variation 3767751 (VCV003767751.2).